The following is an entry in ClinVar:

ClinVar aggregate classification (germline): Uncertain significance (1 of 4 stars; one submission).

Allele frequency attached by ClinVar (database versions not stated): TOPMed below 0.00001; gnomAD exomes below 0.00001.
gnomAD v4.1: 3 of 1,613,490 alleles (0.00019%); highest among the groups gnomAD compares: African/African-American, 0.0013%; no homozygotes.

Submission:

Women's Health and Genetics/Laboratory Corporation of America, LabCorp
Classification: Uncertain significance. Last evaluated: 2021-11-10. Review status: criteria provided, single submitter. Criteria: LabCorp Variant Classification Summary - May 2015. Collection method: clinical testing. Allele origin: germline.
Comment: Variant summary: NPHP1 c.1754A>G (p.Tyr585Cys) results in a non-conservative amino acid change in the encoded protein sequence. Five of five in-silico tools predict a damaging effect of the variant on protein function. The variant allele was found at a frequency of 4e-06 in 251198 control chromosomes. The available data on variant occurrences in the general population are insufficient to allow any conclusion about variant significance. c.1754A>G has been reported in the literature as a compound heterozygous genotype in at-least one individual within a comprehensively genotyped (WES/panel) cohort of individuals with Leber Congenital Amaurosis (LCA) (example, Wang_2015). To our knowledge, it has not been reported in the literature in individuals affected with Joubert Syndrome And Related Disorders. These data do not allow any conclusion about variant significance. To our knowledge, no experimental evidence demonstrating an impact on protein function has been reported. No clinical diagnostic laboratories have submitted clinical-significance assessments for this variant to ClinVar after 2014. Based on the evidence outlined above, the variant was classified as uncertain significance.

Literature cited by the submitters: PubMed 26047050.

NM_001128178.3(NPHP1):c.1586A>G (p.Tyr529Cys)

Gene: NPHP1 (nephrocystin 1; minus strand). Cytogenetic location: 2q13.
Variant type: single nucleotide variant.
Coding change: c.1586A>G on transcript NM_001128178.3 (MANE Select); coding-DNA position 1586, A replaced by G.
Protein change: p.Tyr529Cys; replaces tyrosine 529 with cysteine.
Molecular consequence: missense variant.
Genome position (GRCh38, 1-based): chr2:110,131,735, T>C on the plus strand (A>G on the coding strand, the complement: NPHP1 is on the minus strand). VCF-style: chr2-110131735-T-C. GRCh37 (hg19) VCF-style: chr2-110889312-T-C.
Other names: c.1754A>G, p.Tyr585Cys (NM_000272.5); c.1397A>G, p.Tyr466Cys (NM_001128179.3); c.1583A>G, p.Tyr528Cys (NM_001374256.1); c.1586A>G, p.Tyr529Cys (NM_001374257.1); c.1751A>G, p.Tyr584Cys (NM_207181.4); short protein forms Y466C, Y528C, Y529C, Y584C, Y585C.
Identifiers: ClinVar variation 1328984 (VCV001328984.1), dbSNP rs1359420201, ClinGen allele CA348087058.